The following is an entry in ClinVar:

NM_007194.4(CHEK2):c.319+1G>C

Gene: CHEK2 (checkpoint kinase 2; minus strand). Cytogenetic location: 22q12.1.
Variant type: single nucleotide variant.
Coding change: c.319+1G>C on transcript NM_007194.4 (MANE Select); the canonical splice donor site of the intron after coding-DNA position 319, G replaced by C.
Molecular consequence: splice donor variant. On other transcripts: intron variant (1).
Genome position (GRCh38, 1-based): chr22:28,734,402, C>G on the plus strand (G>C on the coding strand, the complement: CHEK2 is on the minus strand). VCF-style: chr22-28734402-C-G. GRCh37 (hg19) VCF-style: chr22-29130390-C-G.
Other names: c.-345+7367G>C (NM_001437942.1); c.319+1G>C (NM_001349956.3, NM_145862.3, NM_001438295.1 and 3 more transcripts); c.-459+1G>C (NM_001257387.3).
Identifiers: ClinVar variation 460824 (VCV000460824.11), dbSNP rs765080766, ClinGen allele CA411090153.

ClinVar aggregate classification (germline): Likely pathogenic. Review status: criteria provided, multiple submitters, no conflicts (2 of 4 stars). 3 submissions from 3 submitters: Likely pathogenic (3). Last evaluated 2025-06-10.

Conditions:
Familial cancer of breast. Also called: BREAST CANCER, FAMILIAL; hereditary breast carcinoma; Hereditary breast cancer. Identifiers: Orphanet 227535, MedGen C0346153, MONDO:0016419, OMIM 114480. Disease mechanism: loss of function.
Hereditary cancer-predisposing syndrome. Also called: Neoplastic Syndromes, Hereditary; Tumor predisposition; Hereditary Cancer Syndrome; Hereditary neoplastic syndrome. Identifiers: Orphanet 140162, MedGen C0027672, MeSH D009386, MONDO:0015356.

Submissions (3):

Ambry Genetics
Classification: Likely pathogenic for Hereditary cancer-predisposing syndrome. Last evaluated: 2025-06-10. Review status: criteria provided, single submitter. Criteria: Ambry Variant Classification Scheme 2023. Collection method: clinical testing. Allele origin: germline.
Comment: The c.319+1G>C intronic variant results from a G to C substitution one nucleotide after coding exon 1 of the CHEK2 gene. In silico splice site analysis predicts that this alteration will weaken the native splice donor site, which is predicted to result in the in-frame deletion of the first coding exon of the CHEK2 gene. As such, this alteration may escape nonsense-mediated mRNAdecay and/or be prone to rescue by reinitiation (Rivas et al. Science. 2015 May 8;348(6235):666-9; Lindeboom et al. Nat Genet. 2016 Oct;48(10):1112-8; Rhee et al. Sci Rep. 2017 May 10;7(1):1653). The exact functional effect of this alteration is unknown; however, the region predicted to be impacted is critical for protein function (Ambry internal data). This variant is considered to be rare based on population cohorts in the Genome Aggregation Database (gnomAD). This nucleotide position is highly conserved in available vertebrate species. Based on the majority of available evidence to date, this variant is likely to be pathogenic.

Labcorp Genetics (formerly Invitae), Labcorp
Classification: Likely pathogenic for Familial cancer of breast. Last evaluated: 2024-02-23. Review status: criteria provided, single submitter. Criteria: Invitae Variant Classification Sherloc (09022015). Collection method: clinical testing. Allele origin: germline.
Comment: This sequence change affects a donor splice site in intron 2 of the CHEK2 gene. It is expected to disrupt RNA splicing. Variants that disrupt the donor or acceptor splice site typically lead to a loss of protein function (PMID: 16199547), and loss-of-function variants in CHEK2 are known to be pathogenic (PMID: 21876083, 24713400). This variant is not present in population databases (gnomAD no frequency). This variant has not been reported in the literature in individuals affected with CHEK2-related conditions. ClinVar contains an entry for this variant (Variation ID: 460824). Algorithms developed to predict the effect of sequence changes on RNA splicing suggest that this variant may disrupt the consensus splice site. In summary, the currently available evidence indicates that the variant is pathogenic, but additional data are needed to prove that conclusively. Therefore, this variant has been classified as Likely Pathogenic.

Myriad Genetics, Inc.
Classification: Likely pathogenic for Familial cancer of breast. Last evaluated: 2023-06-23. Review status: criteria provided, single submitter. Criteria: Myriad Autosomal Dominant, Autosomal Recessive and X-Linked Classification Criteria (2023). Collection method: clinical testing. Allele origin: unknown.
Comment: This variant is considered likely pathogenic. This variant occurs within a consensus splice junction and is predicted to result in abnormal mRNA splicing of either an out-of-frame exon or an in-frame exon necessary for protein stability and/or normal function.

Literature cited by the submitters: PubMed 16199547 (cited by Labcorp Genetics (formerly Invitae), Labcorp); PubMed 21876083 (cited by Labcorp Genetics (formerly Invitae), Labcorp); PubMed 24713400 (cited by Labcorp Genetics (formerly Invitae), Labcorp).